The following is an entry in ClinVar:

ClinVar aggregate classification (germline): Pathogenic/Likely pathogenic. Review status: criteria provided, multiple submitters, no conflicts (2 of 4 stars). 39 submissions from 35 submitters: Pathogenic (31); Likely pathogenic (5). 3 of the submissions do not count toward it. Last evaluated 2026-09-02.

Conditions:
MYH7-related disorder. Also called: MYH7-related disorders; MYH7-related condition; MYH7-related disease.
Myosin storage myopathy (CMYO7A). Also called: MYH7-related late-onset scapuloperoneal muscular dystrophy; Congenital myopathy 7A, myosin storage, autosomal dominant; MYOPATHY WITH LYSIS OF TYPE I MYOFIBRILS; MYOPATHY, HYALINE BODY, AUTOSOMAL DOMINANT; Scapuloperoneal myopathy, MYH7-related; SCAPULOPERONEAL MUSCULAR DYSTROPHY. Identifiers: Orphanet 437572, Orphanet 636965, MedGen C1842160, MONDO:0008409, OMIM 608358.
Cardiovascular phenotype. Identifiers: MedGen CN230736.
Congenital myopathy with fiber type disproportion. Also called: Congenital fiber-type disproportion myopathy; Congenital fiber-type disproportion. Identifiers: Orphanet 2020, MedGen C0546264, MONDO:0009711. Inheritance: all.
Hypertrophic cardiomyopathy 1 (CMH1). Also called: Familial hypertrophic cardiomyopathy 1; MYH7-Related Familial Hypertrophic Cardiomyopathy. Identifiers: MedGen C3495498, MONDO:0008647, OMIM 192600.
Dilated cardiomyopathy 1S (CMD1S). Identifiers: Orphanet 154, Orphanet 54260, MedGen C1834481, MONDO:0013262, OMIM 613426.
MYH7-related skeletal myopathy. Also called: Laing distal myopathy; Myopathy, distal, 1; MYOPATHY, DISTAL, EARLY-ONSET, AUTOSOMAL DOMINANT; MYOPATHY, LATE DISTAL HEREDITARY; Laing early-onset distal myopathy. Identifiers: Orphanet 59135, MedGen C4552004, MONDO:0008050, OMIM 160500.
Myopathy, myosin storage, autosomal recessive (CMYO7B). Also called: CONGENITAL MYOPATHY 7B, MYOSIN STORAGE, AUTOSOMAL RECESSIVE. Identifiers: Orphanet 636970, MedGen C1850709, MONDO:0009708, OMIM 255160.
Cardiomyopathy (CMYO). Also called: Cardiomyopathies. Identifiers: Orphanet 167848, MedGen C0878544, MONDO:0004994, HP:0001638. Inheritance: Various modes of inheritance.
Primary familial hypertrophic cardiomyopathy (HCM). Identifiers: Orphanet 99739, MedGen C0949658, MeSH D024741, MONDO:0024573. Inheritance: Various modes of inheritance.
Wolff-Parkinson-White pattern. Also called: WPW SYNDROME; Auriculoventricular accessory pathway syndrome; False bundle branch block syndrome; Anomalous ventricular excitation syndrome. Identifiers: MedGen C0043202, MONDO:0008685, OMIM 194200, HP:0001716.
Hypertrophic cardiomyopathy. Also called: HYPERTROPHIC MYOCARDIOPATHY. Identifiers: Orphanet 217569, MedGen C0007194, MeSH D002312, MONDO:0005045, HP:0001639.

Allele frequency attached by ClinVar (database versions not stated): gnomAD 0.00003; TOPMed 0.00003; ESP Exome Variant Server 0.00008; ExAC 0.00003.
gnomAD v4.1: 46 of 1,614,034 alleles (0.0029%); highest among the groups gnomAD compares: Admixed American, 0.005%; no homozygotes.

Submissions 1 to 8 of 39:

Molecular Diagnostic Laboratory for Inherited Cardiovascular Disease, Montreal Heart Institute
Classification: Pathogenic for Cardiovascular phenotype. Last evaluated: 2026-09-02. Review status: criteria provided, single submitter. Criteria: ACMG Guidelines, 2015. Collection method: clinical testing. Allele origin: germline. Affected: yes.

CeGaT Center for Human Genetics Tuebingen
Classification: Pathogenic. Last evaluated: 2026-07-01. Review status: criteria provided, single submitter. Criteria: CeGaT Center For Human Genetics Tuebingen Variant Classification Criteria Version 2. Collection method: clinical testing. Allele origin: germline. Affected: yes. Observed: 3 variant alleles.
Comment: MYH7: PP1:Strong, PS4, PM2:Supporting, PM5:Supporting

PreventionGenetics, part of Exact Sciences
Classification: Pathogenic for MYH7-related condition. Last evaluated: 2026-04-07. Review status: criteria provided, single submitter. Criteria: ACMG Guidelines, 2015. Collection method: clinical testing. Allele origin: germline.
Comment: The MYH7 c.2389G>A variant is predicted to result in the amino acid substitution p.Ala797Thr. This variant has been reported in individuals with autosomal dominant hypertrophic cardiomyopathy (Supplemental Table 1, Bos et al. 2014. PubMed ID: 24793961; Table S1A, Walsh et al. 2017. PubMed ID: 27532257; Micheu et al. 2020. PubMed ID: 33297573; Additional File 2, Hathaway et al. 2021. PubMed ID: 33673806). This variant is reported in 0.012% of alleles in individuals of African descent in gnomAD and is classified as likely pathogenic and pathogenic in ClinVar (Variation ID: 42901). We interpret this variant to be pathogenic.

Labcorp Genetics (formerly Invitae), Labcorp
Classification: Pathogenic for Hypertrophic cardiomyopathy. Last evaluated: 2026-01-28. Review status: criteria provided, single submitter. Criteria: Invitae Variant Classification Sherloc (09022015). Collection method: clinical testing. Allele origin: germline.
Comment: This sequence change replaces alanine, which is neutral and non-polar, with threonine, which is neutral and polar, at codon 797 of the MYH7 protein (p.Ala797Thr). This variant is present in population databases (rs3218716, gnomAD 0.007%). This missense change has been observed in individuals with hypertrophic cardiomyopathy (PMID: 10521296, 16858239, 17125710, 19880069, 20031618, 22857948, 23233322, 23283745, 24093860, 24111713). It has also been observed to segregate with disease in related individuals. ClinVar contains an entry for this variant (Variation ID: 42901). Invitae Evidence Modeling of protein sequence and biophysical properties (such as structural, functional, and spatial information, amino acid conservation, physicochemical variation, residue mobility, and thermodynamic stability) has been performed for this missense variant. However, the output from this modeling did not meet the statistical confidence thresholds required to predict the impact of this variant on MYH7 protein function. This variant is found within a region of MYH7 between codons 181 and 937 that contains the majority of the myosin head domain. Missense variants in this region have been shown to be significantly overrepresented in individuals with hypertrophic cardiomyopathy (PMID: 27532257). For these reasons, this variant has been classified as Pathogenic.

Variantyx, Inc.
Classification: Pathogenic for Hypertrophic cardiomyopathy 1. Last evaluated: 2026-01-21. Review status: criteria provided, single submitter. Criteria: Variantyx Assertion Criteria 2022. Collection method: clinical testing. Allele origin: germline. Inheritance: Autosomal dominant inheritance. Affected: yes.
Comment: This is a nonsynonymous variant in the MYH7 gene (OMIM: 160760). Pathogenic variants in this gene have been associated with autosomal dominant hypertrophic cardiomyopathy 1. This variant has been reported in multiple unrelated affected individuals, and it is an established founder variant in the South African population (PMID: 35653365, 24793961, 11447480, 11447480, 33673806, 27532257, 7581410, 18029407) (PS4). This variant has been observed to segregate with disease in at least 11 individuals from two amilies (PMID: 11186938) (PP1). The alteration lies within a known hotspot for pathogenic variants or a well-established critical functional domain of the MYH7 protein (PMID: 30696458) (PM1). This variant has a 0.0050% maximum allele frequency in non-founder control populations. Based on the current evidence, this variant is classified as pathogenic for autosomal dominant hypertrophic cardiomyopathy 1.T

Institute of Human Genetics, University of Leipzig Medical Center
Classification: Pathogenic for Hypertrophic cardiomyopathy 1. Last evaluated: 2025-07-22. Review status: criteria provided, single submitter. Criteria: ACMG Guidelines, 2015. Collection method: clinical testing. Allele origin: unknown. Inheritance: Autosomal dominant inheritance. Affected: yes.
Comment: Criteria applied: PS4,PP1_STR,PM1,PS3_SUP

3billion
Classification: Pathogenic for Hypertrophic cardiomyopathy 1. Last evaluated: 2025-07-21. Review status: criteria provided, single submitter. Criteria: ACMG Guidelines, 2015. Collection method: clinical testing. Allele origin: germline. Affected: yes.
Comment: The variant is observed at an extremely low frequency in the gnomAD v4.1.0 dataset (total allele frequency: 0.003%). Predicted Consequence/Location: The variant is located in a mutational hot spot and/or well-established functional domain in which established pathogenic variants have been reported (PMID: 29300372). In silico tool predictions suggest damaging effect of the variant on gene or gene product [3Cnet: 0.99 (> 0.75, sensitivity 0.96 and precision 0.92)]. The same nucleotide change resulting in the same amino acid change has been previously reported as pathogenic/likely pathogenic with strong evidence (ClinVar ID: VCV000042901 /PMID: 7581410 /3billion dataset). The variant has been reported to co-segregate with the disease in at least 7 similarly affected relatives/individuals in at least two unrelated families (PMID: 10521296, 16858239, 17125710, 19880069, 20031618, 22857948, 23233322, 23283745, 24093860, 24111713). Different missense changes at the same codon (p.Ala797Pro, p.Ala797Val) have been reported as pathogenic/likely pathogenic with strong evidence (ClinVar ID: VCV001476852, VCV002132571 /PMID: 17125710). Therefore, this variant is classified as Pathogenic according to the recommendation of ACMG/AMP guideline.

Department of Human Genetics, Hannover Medical School
Classification: Likely pathogenic for Hypertrophic cardiomyopathy 1. Last evaluated: 2025-04-30. Review status: criteria provided, single submitter. Criteria: ACMG Guidelines, 2015. Collection method: clinical testing. Allele origin: germline. Affected: yes.
Comment: ACMG: PS4, PM1, PM2_Supporting, PP1_Moderate

NM_000257.4(MYH7):c.2389G>A (p.Ala797Thr)

Genes: MYH7 (myosin heavy chain 7; minus strand), LOC126861898 (BRD4-independent group 4 enhancer GRCh37_chr14:23893609-23894808; plus strand). Cytogenetic location: 14q11.2.
Variant type: single nucleotide variant.
Coding change: c.2389G>A on transcript NM_000257.4 (MANE Select); coding-DNA position 2389, G replaced by A.
Protein change: p.Ala797Thr; replaces alanine 797 with threonine.
Molecular consequence: missense variant.
Genome position (GRCh38, 1-based): chr14:23,425,316, C>T on the plus strand (G>A on the coding strand, the complement: MYH7 is on the minus strand). VCF-style: chr14-23425316-C-T. GRCh37 (hg19) VCF-style: chr14-23894525-C-T.
Other names: short protein forms A797T.
Identifiers: ClinVar variation 42901 (VCV000042901.100), dbSNP rs3218716, ClinGen allele CA012268.